The following is an entry in ClinVar:

ClinVar aggregate classification (germline): Uncertain significance (1 of 4 stars; one submission).

Conditions:
Retinal disorder. Also called: Retinopathy; Retinopathies; Retinal Diseases; Retinal disorders. Identifiers: MedGen C0035309, MONDO:0005283, HP:0000488.

Submission:

Genetics Laboratory, Great Ormond Street Hospital NHS Foundation Trust, North Thames Genomic Laboratory Hub
Classification: Uncertain significance for Retinal disorders. Last evaluated: 2026-09-11. Review status: criteria provided, single submitter. Criteria: ACGS Best Practice Guidelines for Variant Classification in Rare Disease 2024 v1.2. Collection method: clinical testing. Allele origin: germline. Affected: yes.
Comment: PM2_moderate, PP3_supporting, PM3_moderate

NM_002905.5(RDH5):c.617G>C (p.Gly206Ala)

Genes: CD63 (CD63 molecule; minus strand), RDH5 (retinol dehydrogenase 5; plus strand), BLOC1S1-RDH5 (BLOC1S1-RDH5 readthrough; plus strand). Cytogenetic location: 12q13.2.
Variant type: single nucleotide variant.
Coding change: c.617G>C on transcript NM_002905.5 (MANE Select); coding-DNA position 617, G replaced by C.
Protein change: p.Gly206Ala; replaces glycine 206 with alanine.
Molecular consequence: missense variant. On other transcripts: non-coding transcript variant (1), 3 prime UTR variant (2).
Genome position (GRCh38, 1-based): chr12:55,723,933, G>C. VCF-style: chr12-55723933-G-C. GRCh37 (hg19) VCF-style: chr12-56117717-G-C.
Other names: c.617G>C, p.Gly206Ala (NM_001199771.3); c.*1131C>G (NM_001413284.1); c.*1146C>G (NM_001413285.1); short protein forms G206A.
Identifiers: ClinVar variation 5042647 (VCV005042647.1).